The following is an entry in ClinVar:

NM_032833.5(PPP1R15B):c.1829A>T (p.Gln610Leu)

Gene: PPP1R15B (protein phosphatase 1 regulatory subunit 15B; minus strand). Cytogenetic location: 1q32.1.
Variant type: single nucleotide variant.
Coding change: c.1829A>T on transcript NM_032833.5 (MANE Select); coding-DNA position 1829, A replaced by T.
Protein change: p.Gln610Leu; replaces glutamine 610 with leucine.
Molecular consequence: missense variant.
Genome position (GRCh38, 1-based): chr1:204,409,583, T>A on the plus strand (A>T on the coding strand, the complement: PPP1R15B is on the minus strand). VCF-style: chr1-204409583-T-A. GRCh37 (hg19) VCF-style: chr1-204378711-T-A.
Other names: c.1829A>T (NM_032833.3); short protein forms Q610L.
Identifiers: ClinVar variation 2060810 (VCV002060810.5), dbSNP rs755782901, ClinGen allele CA1346564.

ClinVar aggregate classification (germline): Uncertain significance. Review status: criteria provided, multiple submitters, no conflicts (2 of 4 stars). 2 submissions from 2 submitters: Uncertain significance (2). Last evaluated 2023-11-18.

Conditions:
Inborn genetic diseases. Identifiers: MedGen C0950123, MeSH D030342.

Allele frequency attached by ClinVar (database versions not stated): gnomAD 0.00001; gnomAD exomes 0.00001; TOPMed below 0.00001; ExAC 0.00001.

Submissions (2):

Ambry Genetics
Classification: Uncertain significance for Inborn genetic diseases. Last evaluated: 2023-11-18. Review status: criteria provided, single submitter. Criteria: Ambry Variant Classification Scheme 2023. Collection method: clinical testing. Allele origin: germline.

Labcorp Genetics (formerly Invitae), Labcorp
Classification: Uncertain significance. Last evaluated: 2023-08-04. Review status: criteria provided, single submitter. Criteria: Invitae Variant Classification Sherloc (09022015). Collection method: clinical testing. Allele origin: germline.
Comment: In summary, the available evidence is currently insufficient to determine the role of this variant in disease. Therefore, it has been classified as a Variant of Uncertain Significance. Advanced modeling of protein sequence and biophysical properties (such as structural, functional, and spatial information, amino acid conservation, physicochemical variation, residue mobility, and thermodynamic stability) has been performed at Invitae for this missense variant, however the output from this modeling did not meet the statistical confidence thresholds required to predict the impact of this variant on PPP1R15B protein function. ClinVar contains an entry for this variant (Variation ID: 2060810). This variant has not been reported in the literature in individuals affected with PPP1R15B-related conditions. This variant is present in population databases (rs755782901, gnomAD 0.004%). This sequence change replaces glutamine, which is neutral and polar, with leucine, which is neutral and non-polar, at codon 610 of the PPP1R15B protein (p.Gln610Leu).